The following is an entry in ClinVar:

ClinVar aggregate classification (germline): Uncertain significance (1 of 4 stars; one submission).

Conditions:
Rienhoff syndrome. Also called: LOEYS-DIETZ SYNDROME 5. Identifiers: MedGen C3810012, MONDO:0014262, OMIM 615582.

Allele frequency attached by ClinVar (database versions not stated): gnomAD exomes below 0.00001; ExAC 0.00001.
gnomAD v4.1: 1 of 1,614,130 alleles (0.000062%); highest among the groups gnomAD compares: Non-Finnish European, 0.000085%; no homozygotes.

Submission:

Labcorp Genetics (formerly Invitae), Labcorp
Classification: Uncertain significance for Rienhoff syndrome. Last evaluated: 2024-11-19. Review status: criteria provided, single submitter. Criteria: Invitae Variant Classification Sherloc (09022015). Collection method: clinical testing. Allele origin: germline.
Comment: This sequence change replaces alanine, which is neutral and non-polar, with valine, which is neutral and non-polar, at codon 197 of the TGFB3 protein (p.Ala197Val). This variant is present in population databases (rs772252884, gnomAD 0.0009%). This variant has not been reported in the literature in individuals affected with TGFB3-related conditions. ClinVar contains an entry for this variant (Variation ID: 2791529). Invitae Evidence Modeling of protein sequence and biophysical properties (such as structural, functional, and spatial information, amino acid conservation, physicochemical variation, residue mobility, and thermodynamic stability) indicates that this missense variant is not expected to disrupt TGFB3 protein function with a negative predictive value of 80%. In summary, the available evidence is currently insufficient to determine the role of this variant in disease. Therefore, it has been classified as a Variant of Uncertain Significance.

NM_003239.5(TGFB3):c.590C>T (p.Ala197Val)

Gene: TGFB3 (transforming growth factor beta 3; minus strand). Cytogenetic location: 14q24.3.
Variant type: single nucleotide variant.
Coding change: c.590C>T on transcript NM_003239.5 (MANE Select); coding-DNA position 590, C replaced by T.
Protein change: p.Ala197Val; replaces alanine 197 with valine.
Molecular consequence: missense variant.
Genome position (GRCh38, 1-based): chr14:75,971,182, G>A on the plus strand (C>T on the coding strand, the complement: TGFB3 is on the minus strand). VCF-style: chr14-75971182-G-A. GRCh37 (hg19) VCF-style: chr14-76437525-G-A.
Other names: c.590C>T, p.Ala197Val (NM_001329938.2, NM_001329939.2); short protein forms A197V.
Identifiers: ClinVar variation 2791529 (VCV002791529.3), dbSNP rs772252884, ClinGen allele CA7280398.